The following is an entry in ClinVar:

ClinVar aggregate classification (germline): Uncertain significance (1 of 4 stars; one submission).

Conditions:
Glycogen storage disease due to muscle and heart glycogen synthase deficiency. Also called: GSD 0b; MUSCLE GLYCOGEN SYNTHASE DEFICIENCY. Identifiers: Orphanet 137625, MedGen C1969054, MONDO:0012693, OMIM 611556.

Submission:

Labcorp Genetics (formerly Invitae), Labcorp
Classification: Uncertain significance for Glycogen storage disease due to muscle and heart glycogen synthase deficiency. Last evaluated: 2022-07-19. Review status: criteria provided, single submitter. Criteria: Invitae Variant Classification Sherloc (09022015). Collection method: clinical testing. Allele origin: germline.
Comment: In summary, the available evidence is currently insufficient to determine the role of this variant in disease. Therefore, it has been classified as a Variant of Uncertain Significance. Algorithms developed to predict the effect of missense changes on protein structure and function are either unavailable or do not agree on the potential impact of this missense change (SIFT: "Deleterious"; PolyPhen-2: "Benign"; Align-GVGD: "Class C0"). ClinVar contains an entry for this variant (Variation ID: 1010299). This variant has not been reported in the literature in individuals affected with GYS1-related conditions. This variant is not present in population databases (gnomAD no frequency). This sequence change replaces cysteine, which is neutral and slightly polar, with phenylalanine, which is neutral and non-polar, at codon 699 of the GYS1 protein (p.Cys699Phe).

NM_002103.5(GYS1):c.2096G>T (p.Cys699Phe)

Gene: GYS1 (glycogen synthase 1; minus strand). Cytogenetic location: 19q13.33.
Variant type: single nucleotide variant.
Coding change: c.2096G>T on transcript NM_002103.5 (MANE Select); coding-DNA position 2096, G replaced by T.
Protein change: p.Cys699Phe; replaces cysteine 699 with phenylalanine.
Molecular consequence: missense variant. On other transcripts: non-coding transcript variant (1).
Genome position (GRCh38, 1-based): chr19:48,969,406, C>A on the plus strand (G>T on the coding strand, the complement: GYS1 is on the minus strand). VCF-style: chr19-48969406-C-A. GRCh37 (hg19) VCF-style: chr19-49472663-C-A.
Other names: c.1904G>T, p.Cys635Phe (NM_001161587.2); short protein forms C635F, C699F.
Identifiers: ClinVar variation 1010299 (VCV001010299.8), dbSNP rs928549424, ClinGen allele CA406759226.